The following is an entry in ClinVar:

ClinVar aggregate classification (germline): Uncertain significance (1 of 4 stars; one submission).

Submission:

Ambry Genetics
Classification: Uncertain significance. Last evaluated: 2021-08-05. Review status: criteria provided, single submitter. Criteria: Ambry Variant Classification Scheme 2023. Collection method: clinical testing. Allele origin: germline.
Comment: The p.G485R variant (also known as c.1453G>A), located in coding exon 9 of the POLQ gene, results from a G to A substitution at nucleotide position 1453. The glycine at codon 485 is replaced by arginine, an amino acid with dissimilar properties. This amino acid position is conserved. In addition, the in silico prediction for this alteration is inconclusive. Since supporting evidence is limited at this time, the clinical significance of this alteration remains unclear.

NM_199420.4(POLQ):c.1453G>A (p.Gly485Arg)

Gene: POLQ (DNA polymerase theta; minus strand). Cytogenetic location: 3q13.33.
Variant type: single nucleotide variant.
Coding change: c.1453G>A on transcript NM_199420.4 (MANE Select); coding-DNA position 1453, G replaced by A.
Protein change: p.Gly485Arg; replaces glycine 485 with arginine.
Molecular consequence: missense variant.
Genome position (GRCh38, 1-based): chr3:121,519,886, C>T on the plus strand (G>A on the coding strand, the complement: POLQ is on the minus strand). VCF-style: chr3-121519886-C-T. GRCh37 (hg19) VCF-style: chr3-121238733-C-T.
Other names: short protein forms G485R.
Identifiers: ClinVar variation 1773003 (VCV001773003.2), dbSNP rs2546809985, ClinGen allele CA354118916.
Genomic context (GRCh38, chr3:121,519,886, plus strand): 5'-CTGTCCTTCAGCAATGCTGCTACAATTAAATTCAAACTCACTTACCTACTGTGTCCACTC[C>T]TTTCCTGCCAGCACGGCCAACCATCTGCTTATAAGTAAGAATATCTAGAGGTCGACCACC-3'
Protein context (NP_955452.3, residues 475-495): KQMVGRAGRK[Gly485Arg]VDTVGESILI